The following is an entry in ClinVar:

ClinVar aggregate classification (germline): Uncertain significance (1 of 4 stars; one submission).

Submission:

GeneDx
Classification: Uncertain significance. Last evaluated: 2025-08-05. Review status: criteria provided, single submitter. Criteria: GeneDx Variant Classification Process June 2021. Collection method: clinical testing. Allele origin: germline. Affected: yes.
Comment: Not observed at significant frequency in large population cohorts (gnomAD); In-frame insertion of 3 amino acids in a non-repeat region; Has not been previously published as pathogenic or benign to our knowledge

NM_001267550.2(TTN):c.2159_2160insCAGAGACCC (p.Pro720_Gly721insArgAspPro)

Gene: TTN (titin; minus strand). Cytogenetic location: 2q31.2.
Variant type: Insertion.
Coding change: c.2159_2160insCAGAGACCC on transcript NM_001267550.2 (MANE Select); coding-DNA positions 2159 to 2160, CAGAGACCC inserted.
Protein change: p.Pro720_Gly721insArgAspPro.
Molecular consequence: inframe insertion. On other transcripts: inframe indel (1).
Genome position: GRCh38 VCF-style: chr2-178786058-A-AGGGTCTCTG. GRCh37 (hg19) VCF-style: chr2-179650785-A-AGGGTCTCTG.
Other names: c.2159_2160insCAGAGACCC, p.Pro720_Gly721insArgAspPro (NM_001256850.1, NM_133378.4, NM_133379.5); c.2021_2022insCAGAGACCC, p.Pro674_Gly675insArgAspPro (NM_003319.4, NM_133432.3, NM_133437.4); c.2159_2160insCAGAGACCC (NM_001267550.1).
Identifiers: ClinVar variation 4755878 (VCV004755878.1).